The following is an entry in ClinVar:

NM_000466.3(PEX1):c.348G>A (p.Trp116Ter)

Gene: PEX1 (peroxisomal biogenesis factor 1; minus strand). Cytogenetic location: 7q21.2.
Variant type: single nucleotide variant.
Coding change: c.348G>A on transcript NM_000466.3 (MANE Select); coding-DNA position 348, G replaced by A.
Protein change: p.Trp116Ter; replaces tryptophan 116 with a stop codon.
Molecular consequence: nonsense. On other transcripts: 5 prime UTR variant (1).
Genome position (GRCh38, 1-based): chr7:92,519,004, C>T on the plus strand (G>A on the coding strand, the complement: PEX1 is on the minus strand). VCF-style: chr7-92519004-C-T. GRCh37 (hg19) VCF-style: chr7-92148318-C-T.
Other names: c.348G>A, p.Trp116Ter (NM_001282677.2); c.-312G>A (NM_001282678.2); short protein forms W116*.
Identifiers: ClinVar variation 371724 (VCV000371724.4), dbSNP rs1057517487, ClinGen allele CA16041175.
Genomic context (GRCh38, chr7:92,519,004, plus strand): 5'-TGTGAAGTAATTTAACCTTAAATGAGATAGTTCTTATTTGGTTTTCTTTACCAGTATCTC[C>T]CAATCATCTGCTGAGAGGGGTTCCACCTCAACTTGTTGACAAGATACCACATGGGAACAT-3'

ClinVar aggregate classification (germline): Likely pathogenic. Review status: criteria provided, single submitter (1 of 4 stars). 3 submissions from 2 submitters: Likely pathogenic (1). 2 of the submissions do not count toward it. Last evaluated 2024-04-16.

Conditions:
Zellweger spectrum disorders (ZS). Also called: Zellweger Spectrum Disorder (ZSD); Zellweger Spectrum Disorder; Zellweger Spectrum; Zellweger syndrome. Identifiers: Orphanet 912, MedGen C0043459, MONDO:0019609.
Peroxisome biogenesis disorder 1B (PBD1B). Also called: Refsum disease, infantile form; Infantile Refsum disease; Infantile form of phytanic acid storage disease; PEROXISOME BIOGENESIS DISORDER (NEONATAL ADRENOLEUKODYSTROPHY/INFANTILE REFSUM DISEASE); INFANTILE PHYTANIC ACID STORAGE DISEASE; PEROXISOME BIOGENESIS DISORDER (NALD/IRD). Identifiers: Orphanet 44, MedGen C0282527, MONDO:0011101, OMIM 601539.
Peroxisome biogenesis disorder 1A (Zellweger) (PBD1A). Also called: Zellweger leukodystrophy; Peroxisome biogenesis disorder 1a. Identifiers: MedGen C4721541, MONDO:0008953, OMIM 214100.

Allele frequency attached by ClinVar (database versions not stated): gnomAD exomes below 0.00001.
gnomAD v4.1: 1 of 1,608,992 alleles (0.000062%); highest among the groups gnomAD compares: Non-Finnish European, 0.000085%; no homozygotes.

Submissions (3):

Natera, Inc.
Classification: Likely pathogenic for Zellweger syndrome. Last evaluated: 2024-04-16. Review status: criteria provided, single submitter. Criteria: Natera Variant Classification Schema (03/2026). Collection method: clinical testing. Allele origin: germline.
Comment: The c.348G>A variant in PEX1 is a nonsense variant predicted to introduce a stop codon at amino acid 116. This variant is expected to result in nonsense mediated decay, truncation, or a dysfunctional protein product. This variant is rare in the general population with a frequency below the threshold expected for the associated phenotype(s). Given the available evidence, this variant is classified as Likely Pathogenic.

Counsyl
Classification: Likely pathogenic for Peroxisome biogenesis disorder 1A (Zellweger). Last evaluated: 2016-04-06. Review status: no assertion criteria provided. Collection method: clinical testing. Allele origin: unknown. Not counted in ClinVar's aggregate classification.

Counsyl
Classification: Likely pathogenic for Peroxisome biogenesis disorder 1B. Last evaluated: 2016-04-06. Review status: no assertion criteria provided. Collection method: clinical testing. Allele origin: unknown. Not counted in ClinVar's aggregate classification.